The following is an entry in ClinVar:

NM_001366244.2(GOLGA2):c.267C>T (p.Leu89=)

Gene: GOLGA2 (golgin A2; minus strand). Cytogenetic location: 9q34.11.
Variant type: single nucleotide variant.
Coding change: c.267C>T on transcript NM_001366244.2 (MANE Select); coding-DNA position 267, C replaced by T.
Protein change: p.Leu89=; no amino-acid change (leucine 89 retained).
Molecular consequence: synonymous variant. On other transcripts: intron variant (7).
Genome position (GRCh38, 1-based): chr9:128,272,806, G>A on the plus strand (C>T on the coding strand, the complement: GOLGA2 is on the minus strand). VCF-style: chr9-128272806-G-A. GRCh37 (hg19) VCF-style: chr9-131035085-G-A.
Other names: c.267C>T, p.Leu89= (NM_001366246.2, NM_001389695.2, NM_001389696.2 and 3 more transcripts); c.207+1044C>T (NM_001389705.2, NM_001389704.2, NM_001389702.2 and 4 more transcripts).
Identifiers: ClinVar variation 4977553 (VCV004977553.1).

ClinVar aggregate classification (germline): Likely benign (1 of 4 stars; one submission).

Conditions:
GOLGA2-related disorder. Also called: GOLGA2-related condition.

gnomAD v4.1: 34 of 1,267,482 alleles (0.0027%); highest among the groups gnomAD compares: Middle Eastern, 0.03%; 1 homozygote.

Submission:

PreventionGenetics, part of Exact Sciences
Classification: Likely benign for GOLGA2-related condition. Last evaluated: 2025-04-14. Review status: criteria provided, single submitter. Criteria: ACMG Guidelines, 2015. Collection method: clinical testing. Allele origin: germline.
Comment: This variant is classified as likely benign based on ACMG/AMP sequence variant interpretation guidelines (Richards et al. 2015 PMID: 25741868, with internal and published modifications).